The following is an entry in ClinVar:

NM_000038.6(APC):c.2383C>T (p.Leu795Phe)

Gene: APC (APC regulator of Wnt signaling pathway; plus strand). Cytogenetic location: 5q22.2.
Variant type: single nucleotide variant.
Coding change: c.2383C>T on transcript NM_000038.6 (MANE Select); coding-DNA position 2383, C replaced by T.
Protein change: p.Leu795Phe; replaces leucine 795 with phenylalanine.
Molecular consequence: missense variant.
Genome position (GRCh38, 1-based): chr5:112,837,977, C>T. VCF-style: chr5-112837977-C-T. GRCh37 (hg19) VCF-style: chr5-112173674-C-T.
Other names: c.2383C>T, p.Leu795Phe (NM_001127510.3, NM_001354895.2); c.2329C>T, p.Leu777Phe (NM_001127511.3); c.2437C>T, p.Leu813Phe (NM_001354896.2); c.2413C>T, p.Leu805Phe (NM_001354897.2); c.2308C>T, p.Leu770Phe (NM_001354898.2); c.2299C>T, p.Leu767Phe (NM_001354899.2); c.2260C>T, p.Leu754Phe (NM_001354900.2); c.2206C>T, p.Leu736Phe (NM_001354901.2); and 5 more; short protein forms L795F, L777F, L512F, L635F, L694F, L770F, L813F, L704F.
Identifiers: ClinVar variation 482356 (VCV000482356.7), dbSNP rs1442780982, ClinGen allele CA16026571.

ClinVar aggregate classification (germline): Uncertain significance. Review status: criteria provided, multiple submitters, no conflicts (2 of 4 stars). 2 submissions from 2 submitters: Uncertain significance (2). Last evaluated 2024-08-01.

Conditions:
Hereditary cancer-predisposing syndrome. Also called: Neoplastic Syndromes, Hereditary; Tumor predisposition; Hereditary Cancer Syndrome; Hereditary neoplastic syndrome. Identifiers: Orphanet 140162, MedGen C0027672, MeSH D009386, MONDO:0015356.
Familial adenomatous polyposis 1 (FAP1). Also called: FAMILIAL ADENOMATOUS POLYPOSIS 1, ATTENUATED; POLYPOSIS, ADENOMATOUS INTESTINAL. Identifiers: MedGen C2713442, MONDO:0021056, OMIM 175100. Disease mechanism: loss of function.

Submissions (2):

Labcorp Genetics (formerly Invitae), Labcorp
Classification: Uncertain significance for Familial adenomatous polyposis 1. Last evaluated: 2024-08-01. Review status: criteria provided, single submitter. Criteria: Invitae Variant Classification Sherloc (09022015). Collection method: clinical testing. Allele origin: germline.
Comment: This sequence change replaces leucine, which is neutral and non-polar, with phenylalanine, which is neutral and non-polar, at codon 795 of the APC protein (p.Leu795Phe). This variant is not present in population databases (gnomAD no frequency). This variant has not been reported in the literature in individuals affected with APC-related conditions. ClinVar contains an entry for this variant (Variation ID: 482356). Advanced modeling of protein sequence and biophysical properties (such as structural, functional, and spatial information, amino acid conservation, physicochemical variation, residue mobility, and thermodynamic stability) performed at Invitae indicates that this missense variant is not expected to disrupt APC protein function with a negative predictive value of 95%. In summary, the available evidence is currently insufficient to determine the role of this variant in disease. Therefore, it has been classified as a Variant of Uncertain Significance.

Ambry Genetics
Classification: Uncertain significance for Hereditary cancer-predisposing syndrome. Last evaluated: 2022-04-12. Review status: criteria provided, single submitter. Criteria: Ambry Variant Classification Scheme 2023. Collection method: clinical testing. Allele origin: germline.
Comment: The p.L795F variant (also known as c.2383C>T), located in coding exon 15 of the APC gene, results from a C to T substitution at nucleotide position 2383. The leucine at codon 795 is replaced by phenylalanine, an amino acid with highly similar properties. This amino acid position is well conserved in available vertebrate species. In addition, in silico predictors for this gene do not accurately predict pathogenicity. Since supporting evidence is limited at this time, the clinical significance of this alteration remains unclear.